The following is an entry in ClinVar:

ClinVar aggregate classification (germline): Uncertain significance. Review status: criteria provided, multiple submitters, no conflicts (2 of 4 stars). 3 submissions from 3 submitters: Uncertain significance (3). Last evaluated 2023-05-01.

Allele frequency attached by ClinVar (database versions not stated): gnomAD exomes below 0.00001; TOPMed below 0.00001; gnomAD 0.00003; 1000 Genomes Project 30x 0.00031; 1000 Genomes Project 0.00040.
gnomAD v4.1: 7 of 1,614,232 alleles (0.00043%); highest among the groups gnomAD compares: African/African-American, 0.0067%; no homozygotes.

Submissions (3):

CeGaT Center for Human Genetics Tuebingen
Classification: Uncertain significance. Last evaluated: 2023-05-01. Review status: criteria provided, single submitter. Criteria: CeGaT Center For Human Genetics Tuebingen Variant Classification Criteria Version 2. Collection method: clinical testing. Allele origin: germline. Affected: yes. Observed: 1 variant allele.
Comment: COCH: PM2, BP4

GeneDx
Classification: Uncertain significance. Last evaluated: 2023-04-26. Review status: criteria provided, single submitter. Criteria: GeneDx Variant Classification Process June 2021. Collection method: clinical testing. Allele origin: germline. Affected: yes.
Comment: Not observed at significant frequency in large population cohorts (gnomAD); In silico analysis supports that this missense variant does not alter protein structure/function; Has not been previously published as pathogenic or benign to our knowledge

Revvity Omics, Revvity
Classification: Uncertain significance. Last evaluated: 2020-02-04. Review status: criteria provided, single submitter. Criteria: ACMG Guidelines, 2015. Collection method: clinical testing. Allele origin: germline.

NM_004086.3(COCH):c.193A>G (p.Ile65Val)

Genes: COCH-AS1 (COCH antisense RNA 1; minus strand), COCH (cochlin; plus strand). Cytogenetic location: 14q12.
Variant type: single nucleotide variant.
Coding change: c.193A>G on transcript NM_004086.3 (MANE Select); coding-DNA position 193, A replaced by G.
Protein change: p.Ile65Val; replaces isoleucine 65 with valine.
Molecular consequence: missense variant.
Genome position (GRCh38, 1-based): chr14:30,877,682, A>G. VCF-style: chr14-30877682-A-G. GRCh37 (hg19) VCF-style: chr14-31346888-A-G.
Other names: c.193A>G, p.Ile65Val (NM_001135058.2); c.388A>G, p.Ile130Val (NM_001347720.2); short protein forms I130V, I65V.
Identifiers: ClinVar variation 2440181 (VCV002440181.31), dbSNP rs148102471, ClinGen allele CA258535764.